The following is an entry in ClinVar:

ClinVar aggregate classification (germline): Uncertain significance. Review status: criteria provided, multiple submitters, no conflicts (2 of 4 stars). 4 submissions from 4 submitters: Uncertain significance (2). 2 of the submissions do not count toward it. Last evaluated 2025-05-16.

Conditions:
Retinal dystrophy. Also called: Inherited retinal dystrophy. Identifiers: Orphanet 71862, MedGen C0854723, MeSH D058499, MONDO:0019118, HP:0000556.
Usher syndrome type 2A. Also called: RETINAL DISEASE IN USHER SYNDROME TYPE IIA, MODIFIER OF; USHER SYNDROME, TYPE IIA. Identifiers: Orphanet 231178, Orphanet 886, MedGen C1848634, MONDO:0010169, OMIM 276901.

Allele frequency attached by ClinVar (database versions not stated): gnomAD exomes below 0.00001.
gnomAD v4.1: 1 of 1,613,526 alleles (0.000062%); highest among the groups gnomAD compares: Non-Finnish European, 0.000085%; no homozygotes.

Submissions (4):

Labcorp Genetics (formerly Invitae), Labcorp
Classification: Uncertain significance. Last evaluated: 2025-05-16. Review status: criteria provided, single submitter. Criteria: Invitae Variant Classification Sherloc (09022015). Collection method: clinical testing. Allele origin: germline.
Comment: This sequence change replaces isoleucine, which is neutral and non-polar, with valine, which is neutral and non-polar, at codon 1621 of the USH2A protein (p.Ile1621Val). This variant is not present in population databases (gnomAD no frequency). This variant has not been reported in the literature in individuals affected with USH2A-related conditions. ClinVar contains an entry for this variant (Variation ID: 1042865). Invitae Evidence Modeling of protein sequence and biophysical properties (such as structural, functional, and spatial information, amino acid conservation, physicochemical variation, residue mobility, and thermodynamic stability) has been performed for this missense variant. However, the output from this modeling did not meet the statistical confidence thresholds required to predict the impact of this variant on USH2A protein function. In summary, the available evidence is currently insufficient to determine the role of this variant in disease. Therefore, it has been classified as a Variant of Uncertain Significance.

Blueprint Genetics
Classification: Uncertain significance. Last evaluated: 2024-07-30. Review status: criteria provided, single submitter. Criteria: ACMG Guidelines, 2015. Collection method: clinical testing. Allele origin: germline.

Natera, Inc.
Classification: Uncertain significance for Usher syndrome type 2A. Last evaluated: 2020-03-21. Review status: no assertion criteria provided. Collection method: clinical testing. Allele origin: germline. Not counted in ClinVar's aggregate classification.

Institute of Human Genetics, Univ. Regensburg, Univ. Regensburg
Classification: Likely pathogenic for Retinal dystrophy. Last evaluated: 2019-01-01. Review status: no assertion criteria provided. Criteria: ACMG Guidelines, 2015. Collection method: clinical testing. Allele origin: germline. Affected: yes. Not counted in ClinVar's aggregate classification.

NM_206933.4(USH2A):c.4861A>G (p.Ile1621Val)

Gene: USH2A (usherin; minus strand). Cytogenetic location: 1q41.
Variant type: single nucleotide variant.
Coding change: c.4861A>G on transcript NM_206933.4 (MANE Select); coding-DNA position 4861, A replaced by G.
Protein change: p.Ile1621Val; replaces isoleucine 1621 with valine.
Molecular consequence: missense variant.
Genome position (GRCh38, 1-based): chr1:216,089,037, T>C on the plus strand (A>G on the coding strand, the complement: USH2A is on the minus strand). VCF-style: chr1-216089037-T-C. GRCh37 (hg19) VCF-style: chr1-216262379-T-C.
Other names: short protein forms I1621V.
Identifiers: ClinVar variation 1042865 (VCV001042865.6), dbSNP rs2032219588, ClinGen allele CA344860640.